The following is an entry in ClinVar:

ClinVar aggregate classification (germline): Likely pathogenic (1 of 4 stars; one submission).

Conditions:
Primary ciliary dyskinesia 14. Also called: CILIARY DYSKINESIA, PRIMARY, 14, WITH OR WITHOUT SITUS INVERSUS. Identifiers: Orphanet 244, MedGen C3151136, MONDO:0013434, OMIM 613807.

Submission:

Juno Genomics, Hangzhou Juno Genomics, Inc
Classification: Likely pathogenic for Primary ciliary dyskinesia 14. Review status: criteria provided, single submitter. Criteria: ACMG Guidelines, 2015. Collection method: clinical testing. Allele origin: germline. Affected: yes.
Comment: Absent from controls (or at extremely low frequency if recessive) in Genome Aggregation Database, Exome Sequencing Project, 1000 Genomes Project, or Exome Aggregation Consortium.;Null variant in a gene where loss of function (LOF) is a known mechanism of disease.

NM_181426.2(CCDC39):c.550G>T (p.Glu184Ter)

Gene: CCDC39 (coiled-coil domain 39 molecular ruler complex subunit; minus strand). Cytogenetic location: 3q26.33.
Variant type: single nucleotide variant.
Coding change: c.550G>T on transcript NM_181426.2 (MANE Select); coding-DNA position 550, G replaced by T.
Protein change: p.Glu184Ter; replaces glutamic acid 184 with a stop codon.
Molecular consequence: nonsense.
Genome position (GRCh38, 1-based): chr3:180,659,736, C>A on the plus strand (G>T on the coding strand, the complement: CCDC39 is on the minus strand). VCF-style: chr3-180659736-C-A. GRCh37 (hg19) VCF-style: chr3-180377524-C-A.
Other names: short protein forms E184*.
Identifiers: ClinVar variation 3382260 (VCV003382260.2).